The following is an entry in ClinVar:

ClinVar aggregate classification (germline): Conflicting classifications of pathogenicity. Review status: criteria provided, conflicting classifications (1 of 4 stars). 4 submissions from 4 submitters: Likely pathogenic (1); Uncertain significance (2). 1 of the submissions does not count toward it. Last evaluated 2025-10-02.

Conditions:
Usher syndrome type 1 (USH1). Also called: RETINITIS PIGMENTOSA AND CONGENITAL DEAFNESS. Identifiers: Orphanet 231169, Orphanet 886, MedGen C1568247, MONDO:0010168, OMIM 276900.
Autosomal recessive nonsyndromic hearing loss 2. Also called: DEAFNESS, AUTOSOMAL RECESSIVE 2; NEUROSENSORY NONSYNDROMIC RECESSIVE DEAFNESS 2. Identifiers: Orphanet 90636, MedGen C1838701, MONDO:0010807, OMIM 600060.

Allele frequency attached by ClinVar (database versions not stated): gnomAD 0.00001; TOPMed 0.00001.
gnomAD v4.1: 2 of 1,587,024 alleles (0.00013%); highest among the groups gnomAD compares: Non-Finnish European, 0.00017%; no homozygotes.

Submissions (4):

Myriad Genetics, Inc.
Classification: Uncertain significance for Usher syndrome type 1. Last evaluated: 2025-10-02. Review status: criteria provided, single submitter. Criteria: Myriad Autosomal Dominant, Autosomal Recessive and X-Linked Classification Criteria (2023). Collection method: clinical testing. Allele origin: unknown.
Comment: NM_000260.3(MYO7A):c.5507T>C(L1836P) is a missense variant classified as a variant of uncertain significance in the context of MYO7A-related disorders. L1836P has been observed in cases with relevant disease (PMID: 17361009, 27460420, 32098976). Relevant functional assessments of this variant are not available in the literature. L1836P has not been observed in referenced population frequency databases. In summary, there is insufficient evidence to classify NM_000260.3(MYO7A):c.5507T>C(L1836P) as pathogenic or benign. Please note: this variant was assessed in the context of healthy population screening.

Women's Health and Genetics/Laboratory Corporation of America, LabCorp
Classification: Uncertain significance. Last evaluated: 2025-07-31. Review status: criteria provided, single submitter. Criteria: LabCorp Variant Classification Summary - May 2015. Collection method: clinical testing. Allele origin: germline.
Comment: Variant summary: MYO7A c.5507T>C (p.Leu1836Pro) results in a non-conservative amino acid change located in the MyTH4 domain profile (IPR000857) of the encoded protein sequence. Algorithms developed to predict the effect of missense changes on protein structure and function all suggest that this variant is likely to be disruptive. The frequency data for this variant in gnomAD is considered unreliable, as metrics indicate poor data quality at this position. c.5507T>C has been observed in individuals affected with Usher Syndrome (example: Jaijo_2007, Maltese_2022, Bonnet_2016, Testa_2024) and in at least one individual with retinitis pigmentosa (example: Jauregui_2020). These report(s) do not provide unequivocal conclusions about association of the variant with Usher Syndrome. To our knowledge, no experimental evidence demonstrating an impact on protein function has been reported. The following publications have been ascertained in the context of this evaluation (PMID: 27460420, 17361009, 32098976, 36460718, 35836572, 38884554). ClinVar contains an entry for this variant (Variation ID: 553080). Based on the evidence outlined above, the variant was classified as uncertain significance.

Labcorp Genetics (formerly Invitae), Labcorp
Classification: Likely pathogenic. Last evaluated: 2023-04-03. Review status: criteria provided, single submitter. Criteria: Invitae Variant Classification Sherloc (09022015). Collection method: clinical testing. Allele origin: germline.
Comment: This variant is not present in population databases (gnomAD no frequency). This sequence change replaces leucine, which is neutral and non-polar, with proline, which is neutral and non-polar, at codon 1836 of the MYO7A protein (p.Leu1836Pro). This missense change has been observed in individual(s) with autosomal recessive Usher syndrome (PMID: 27460420). ClinVar contains an entry for this variant (Variation ID: 553080). Advanced modeling of protein sequence and biophysical properties (such as structural, functional, and spatial information, amino acid conservation, physicochemical variation, residue mobility, and thermodynamic stability) performed at Invitae indicates that this missense variant is expected to disrupt MYO7A protein function. In summary, the currently available evidence indicates that the variant is pathogenic, but additional data are needed to prove that conclusively. Therefore, this variant has been classified as Likely Pathogenic.

Counsyl
Classification: Uncertain significance for Usher syndrome type 1; Autosomal recessive nonsyndromic hearing loss 2. Last evaluated: 2017-07-27. Review status: no assertion criteria provided. Collection method: clinical testing. Allele origin: unknown. Not counted in ClinVar's aggregate classification.

Literature cited by the submitters: PubMed 17361009 (cited by 3 submitters); PubMed 27460420 (cited by 4 submitters); PubMed 32098976 (cited by Myriad Genetics, Inc. and Women's Health and Genetics/Laboratory Corporation of America, LabCorp); PubMed 35836572 (cited by Women's Health and Genetics/Laboratory Corporation of America, LabCorp); PubMed 36460718 (cited by Women's Health and Genetics/Laboratory Corporation of America, LabCorp); PubMed 38884554 (cited by Women's Health and Genetics/Laboratory Corporation of America, LabCorp).

NM_000260.4(MYO7A):c.5507T>C (p.Leu1836Pro)

Gene: MYO7A (myosin VIIA; plus strand). Cytogenetic location: 11q13.5.
Variant type: single nucleotide variant.
Coding change: c.5507T>C on transcript NM_000260.4 (MANE Select); coding-DNA position 5507, T replaced by C.
Protein change: p.Leu1836Pro; replaces leucine 1836 with proline.
Molecular consequence: missense variant.
Genome position (GRCh38, 1-based): chr11:77,205,488, T>C. VCF-style: chr11-77205488-T-C. GRCh37 (hg19) VCF-style: chr11-76916533-T-C.
Other names: c.5393T>C, p.Leu1798Pro (NM_001127180.2); c.5360T>C, p.Leu1787Pro (NM_001369365.1); short protein forms L1836P, L1798P, L1787P.
Identifiers: ClinVar variation 553080 (VCV000553080.8), dbSNP rs1164918878, ClinGen allele CA381952892.